The following is an entry in ClinVar:

ClinVar aggregate classification (germline): Uncertain significance (1 of 4 stars; one submission).

Conditions:
Hereditary cancer-predisposing syndrome. Also called: Neoplastic Syndromes, Hereditary; Tumor predisposition; Hereditary neoplastic syndrome; Hereditary Cancer Syndrome. Identifiers: Orphanet 140162, MedGen C0027672, MeSH D009386, MONDO:0015356.

Submission:

Ambry Genetics
Classification: Uncertain significance for Hereditary cancer-predisposing syndrome. Last evaluated: 2024-02-01. Review status: criteria provided, single submitter. Criteria: Ambry Variant Classification Scheme 2023. Collection method: clinical testing. Allele origin: germline.
Comment: The p.L657F variant (also known as c.1971G>C), located in coding exon 10 of the BRCA2 gene, results from a G to C substitution at nucleotide position 1971. The leucine at codon 657 is replaced by phenylalanine, an amino acid with highly similar properties. This amino acid position is well conserved in available vertebrate species. In addition, this alteration is predicted to be tolerated by in silico analysis. Based on the available evidence, the clinical significance of this alteration remains unclear.

NM_000059.4(BRCA2):c.1971G>C (p.Leu657Phe)

Gene: BRCA2 (BRCA2 DNA repair associated; plus strand). Cytogenetic location: 13q13.1.
Variant type: single nucleotide variant.
Coding change: c.1971G>C on transcript NM_000059.4 (MANE Select); coding-DNA position 1971, G replaced by C.
Protein change: p.Leu657Phe; replaces leucine 657 with phenylalanine.
Molecular consequence: missense variant. On other transcripts: non-coding transcript variant (1), intron variant (2).
Genome position (GRCh38, 1-based): chr13:32,336,326, G>C. VCF-style: chr13-32336326-G-C. GRCh37 (hg19) VCF-style: chr13-32910463-G-C.
Other names: c.1971G>C, p.Leu657Phe (NM_001406719.1, NM_001406720.1); c.1909+2939G>C (NM_001406721.1); c.424+5296G>C (NM_001406722.1); short protein forms L657F.
Identifiers: ClinVar variation 3225614 (VCV003225614.1), dbSNP rs1344459716, ClinGen allele CA387768545.